The following is an entry in ClinVar:

NM_001146197.3(LRTM3):c.19275T>G (p.Leu6425=)

Gene: LRTM3 (leucine rich repeat transmembrane protein 3; minus strand). Cytogenetic location: 13q33.1.
Variant type: single nucleotide variant.
Coding change: c.19275T>G on transcript NM_001146197.3 (MANE Select); coding-DNA position 19275, T replaced by G.
Protein change: p.Leu6425=; no amino-acid change (leucine 6425 retained).
Molecular consequence: synonymous variant.
Genome position (GRCh38, 1-based): chr13:102,731,422, A>C on the plus strand (T>G on the coding strand, the complement: LRTM3 is on the minus strand). VCF-style: chr13-102731422-A-C. GRCh37 (hg19) VCF-style: chr13-103383772-A-C.
Identifiers: ClinVar variation 4871948 (VCV004871948.2).

ClinVar aggregate classification (germline): Likely benign (1 of 4 stars; one submission).

gnomAD v4.1: 6,831 of 1,551,444 alleles (0.44%); highest among the groups gnomAD compares: Middle Eastern, 2.8%; 57 homozygotes.

Submission:

CeGaT Center for Human Genetics Tuebingen
Classification: Likely benign. Last evaluated: 2026-06-01. Review status: criteria provided, single submitter. Criteria: CeGaT Center For Human Genetics Tuebingen Variant Classification Criteria Version 2. Collection method: clinical testing. Allele origin: germline. Affected: yes. Observed: 1 variant allele.
Comment: LRTM3: BP4, BP7, BS2